The following is an entry in ClinVar:

NM_001330588.2(TPP2):c.1511T>A (p.Val504Asp)

Gene: TPP2 (tripeptidyl peptidase 2; plus strand). Cytogenetic location: 13q33.1.
Variant type: single nucleotide variant.
Coding change: c.1511T>A on transcript NM_001330588.2 (MANE Select); coding-DNA position 1511, T replaced by A.
Protein change: p.Val504Asp; replaces valine 504 with aspartic acid.
Molecular consequence: missense variant. On other transcripts: non-coding transcript variant (1).
Genome position (GRCh38, 1-based): chr13:102,636,225, T>A. VCF-style: chr13-102636225-T-A. GRCh37 (hg19) VCF-style: chr13-103288575-T-A.
Other names: c.1511T>A, p.Val504Asp (NM_001367947.1, NM_003291.4); short protein forms V504D.
Identifiers: ClinVar variation 2013731 (VCV002013731.4), dbSNP rs2503984168, ClinGen allele CA388487232.
Genomic context (GRCh38, chr13:102,636,225, plus strand): 5'-CAACAAAATATTTTTTGACCCAACCATTTATATCTTACCATGTATATTATTTTCACTAGG[T>A]TGATAAAGCCTATGACTACCTCGTTCAGAATACATCATTTGCTAATAAATTAGGTTTTAC-3'
Protein context (NP_001317517.1, residues 494-514): VFAQGHGIIQ[Val504Asp]DKAYDYLVQN

ClinVar aggregate classification (germline): Uncertain significance (1 of 4 stars; one submission).

Conditions:
Evans syndrome, immunodeficiency, and premature immunosenescence associated with tripeptidyl-peptidase II deficiency. Identifiers: MedGen CN231723. Disease mechanism: loss of function.

Submission:

Labcorp Genetics (formerly Invitae), Labcorp
Classification: Uncertain significance for Evans syndrome, immunodeficiency, and premature immunosenescence associated with tripeptidyl-peptidase II deficiency. Last evaluated: 2022-07-03. Review status: criteria provided, single submitter. Criteria: Invitae Variant Classification Sherloc (09022015). Collection method: clinical testing. Allele origin: germline.
Comment: In summary, the available evidence is currently insufficient to determine the role of this variant in disease. Therefore, it has been classified as a Variant of Uncertain Significance. Algorithms developed to predict the effect of missense changes on protein structure and function (SIFT, PolyPhen-2, Align-GVGD) all suggest that this variant is likely to be disruptive. This variant has not been reported in the literature in individuals affected with TPP2-related conditions. This variant is not present in population databases (gnomAD no frequency). This sequence change replaces valine, which is neutral and non-polar, with aspartic acid, which is acidic and polar, at codon 504 of the TPP2 protein (p.Val504Asp).